The following is an entry in ClinVar:

NM_006231.4(POLE):c.449G>A (p.Arg150Gln)

Gene: POLE (DNA polymerase epsilon, catalytic subunit; minus strand). Cytogenetic location: 12q24.33.
Variant type: single nucleotide variant.
Coding change: c.449G>A on transcript NM_006231.4 (MANE Select); coding-DNA position 449, G replaced by A.
Protein change: p.Arg150Gln; replaces arginine 150 with glutamine.
Molecular consequence: missense variant.
Genome position (GRCh38, 1-based): chr12:132,679,626, C>T on the plus strand (G>A on the coding strand, the complement: POLE is on the minus strand). VCF-style: chr12-132679626-C-T. GRCh37 (hg19) VCF-style: chr12-133256212-C-T.
Other names: short protein forms R150Q.
Identifiers: ClinVar variation 240522 (VCV000240522.14), dbSNP rs780775837, ClinGen allele CA6894313.

ClinVar aggregate classification (germline): Uncertain significance. Review status: criteria provided, multiple submitters, no conflicts (2 of 4 stars). 3 submissions from 3 submitters: Uncertain significance (3). Last evaluated 2025-12-16.

Conditions:
Hereditary cancer-predisposing syndrome. Also called: Tumor predisposition; Neoplastic Syndromes, Hereditary; Hereditary Cancer Syndrome; Hereditary neoplastic syndrome. Identifiers: Orphanet 140162, MedGen C0027672, MeSH D009386, MONDO:0015356.

Allele frequency attached by ClinVar (database versions not stated): gnomAD exomes 0.00002 and 0.00001; ExAC 0.00003; gnomAD 0.00001; TOPMed 0.00001.
gnomAD v4.1: 12 of 1,611,646 alleles (0.00074%); highest among the groups gnomAD compares: South Asian, 0.0033%; no homozygotes.

Submissions (3):

Labcorp Genetics (formerly Invitae), Labcorp
Classification: Uncertain significance. Last evaluated: 2025-12-16. Review status: criteria provided, single submitter. Criteria: Invitae Variant Classification Sherloc (09022015). Collection method: clinical testing. Allele origin: germline.
Comment: This sequence change replaces arginine, which is basic and polar, with glutamine, which is neutral and polar, at codon 150 of the POLE protein (p.Arg150Gln). This variant is present in population databases (rs780775837, gnomAD 0.006%). This variant has not been reported in the literature in individuals affected with POLE-related conditions. ClinVar contains an entry for this variant (Variation ID: 240522). Invitae Evidence Modeling of protein sequence and biophysical properties (such as structural, functional, and spatial information, amino acid conservation, physicochemical variation, residue mobility, and thermodynamic stability) indicates that this missense variant is not expected to disrupt POLE protein function with a negative predictive value of 80%. In summary, the available evidence is currently insufficient to determine the role of this variant in disease. Therefore, it has been classified as a Variant of Uncertain Significance.

Ambry Genetics
Classification: Uncertain significance for Hereditary cancer-predisposing syndrome. Last evaluated: 2025-01-07. Review status: criteria provided, single submitter. Criteria: Ambry Variant Classification Scheme 2023. Collection method: clinical testing. Allele origin: germline.
Comment: The p.R150Q variant (also known as c.449G>A), located in coding exon 6 of the POLE gene, results from a G to A substitution at nucleotide position 449. The arginine at codon 150 is replaced by glutamine, an amino acid with highly similar properties. This amino acid position is highly conserved in available vertebrate species. In addition, the in silico prediction for this alteration is inconclusive. Based on the available evidence, the clinical significance of this variant remains unclear.

GeneDx
Classification: Uncertain significance. Last evaluated: 2020-09-17. Review status: criteria provided, single submitter. Criteria: GeneDx Variant Classification (06012015). Collection method: clinical testing. Allele origin: germline. Affected: yes.
Comment: In silico analysis supports that this missense variant does not alter protein structure/function Has not been previously published as pathogenic or benign to our knowledge